The following is an entry in ClinVar:

NM_002769.5(PRSS1):c.230A>C (p.Asn77Thr)

Genes: TRB (T cell receptor beta locus; plus strand), PRSS1 (serine protease 1; plus strand). Cytogenetic location: 7q34.
Variant type: single nucleotide variant.
Coding change: c.230A>C on transcript NM_002769.5 (MANE Select); coding-DNA position 230, A replaced by C.
Protein change: p.Asn77Thr; replaces asparagine 77 with threonine.
Molecular consequence: missense variant. On other transcripts: non-coding transcript variant (2).
Genome position (GRCh38, 1-based): chr7:142,751,803, A>C. VCF-style: chr7-142751803-A-C. GRCh37 (hg19) VCF-style: chr7-142459654-A-C.
Other names: short protein forms N77T.
Identifiers: ClinVar variation 3222792 (VCV003222792.1), dbSNP rs1798757865, ClinGen allele CA369608433.

ClinVar aggregate classification (germline): Uncertain significance (1 of 4 stars; one submission).

Conditions:
Hereditary pancreatitis (PCTT). Also called: Hereditary chronic pancreatitis; PRSS1-Related Hereditary Pancreatitis. Identifiers: Orphanet 676, MedGen C0238339, MONDO:0008185, OMIM 167800.

Submission:

Ambry Genetics
Classification: Uncertain significance for Hereditary pancreatitis. Last evaluated: 2023-11-03. Review status: criteria provided, single submitter. Criteria: Ambry Variant Classification Scheme 2023. Collection method: clinical testing. Allele origin: germline.
Comment: The p.N77T variant (also known as c.230A>C), located in coding exon 3 of the PRSS1 gene, results from an A to C substitution at nucleotide position 230. The asparagine at codon 77 is replaced by threonine, an amino acid with similar properties. This amino acid position is conserved. In addition, the in silico prediction for this alteration is inconclusive. Since supporting evidence is limited at this time, the clinical significance of this alteration remains unclear.